The following is an entry in ClinVar:

ClinVar aggregate classification (germline): Uncertain significance (1 of 4 stars; one submission).

gnomAD v4.1: 18 of 1,504,432 alleles (0.0012%); highest among the groups gnomAD compares: East Asian, 0.023%; no homozygotes.

Submission:

Labcorp Genetics (formerly Invitae), Labcorp
Classification: Uncertain significance. Last evaluated: 2024-09-14. Review status: criteria provided, single submitter. Criteria: Invitae Variant Classification Sherloc (09022015). Collection method: clinical testing. Allele origin: germline.
Comment: This sequence change falls in intron 2 of the C9 gene. It does not directly change the encoded amino acid sequence of the C9 protein. It affects a nucleotide within the consensus splice site. This variant is present in population databases (rs754465453, gnomAD 0.03%). This variant has not been reported in the literature in individuals affected with C9-related conditions. Variants that disrupt the consensus splice site are a relatively common cause of aberrant splicing (PMID: 17576681, 9536098). Algorithms developed to predict the effect of sequence changes on RNA splicing suggest that this variant may disrupt the consensus splice site. In summary, the available evidence is currently insufficient to determine the role of this variant in disease. Therefore, it has been classified as a Variant of Uncertain Significance.

Literature cited by the submitters: PubMed 17576681; PubMed 9536098.

NM_001737.5(C9):c.183+5G>C

Gene: C9 (complement C9; minus strand). Cytogenetic location: 5p13.1.
Variant type: single nucleotide variant.
Coding change: c.183+5G>C on transcript NM_001737.5 (MANE Select); 5 bases into the intron after coding-DNA position 183, G replaced by C.
Molecular consequence: intron variant.
Genome position (GRCh38, 1-based): chr5:39,342,086, C>G on the plus strand (G>C on the coding strand, the complement: C9 is on the minus strand). VCF-style: chr5-39342086-C-G. GRCh37 (hg19) VCF-style: chr5-39342188-C-G.
Identifiers: ClinVar variation 3706278 (VCV003706278.1).